The following is an entry in ClinVar:

ClinVar aggregate classification (germline): Uncertain significance (1 of 4 stars; one submission).

gnomAD v4.1: 22 of 1,613,874 alleles (0.0014%); highest among the groups gnomAD compares: South Asian, 0.023%; no homozygotes.

Submission:

Labcorp Genetics (formerly Invitae), Labcorp
Classification: Uncertain significance. Last evaluated: 2025-09-08. Review status: criteria provided, single submitter. Criteria: Invitae Variant Classification Sherloc (09022015). Collection method: clinical testing. Allele origin: germline.
Comment: This sequence change replaces leucine, which is neutral and non-polar, with valine, which is neutral and non-polar, at codon 544 of the ARHGAP24 protein (p.Leu544Val). This variant is present in population databases (rs748984046, gnomAD 0.04%). This variant has not been reported in the literature in individuals affected with ARHGAP24-related conditions. An algorithm developed to predict the effect of missense changes on protein structure and function (PolyPhen-2) suggests that this variant is likely to be tolerated. In summary, the available evidence is currently insufficient to determine the role of this variant in disease. Therefore, it has been classified as a Variant of Uncertain Significance.

NM_001025616.3(ARHGAP24):c.1630C>G (p.Leu544Val)

Gene: ARHGAP24 (Rho GTPase activating protein 24; plus strand). Cytogenetic location: 4q21.23.
Variant type: single nucleotide variant.
Coding change: c.1630C>G on transcript NM_001025616.3 (MANE Select); coding-DNA position 1630, C replaced by G.
Protein change: p.Leu544Val; replaces leucine 544 with valine.
Molecular consequence: missense variant.
Genome position (GRCh38, 1-based): chr4:85,995,284, C>G. VCF-style: chr4-85995284-C-G. GRCh37 (hg19) VCF-style: chr4-86916437-C-G.
Other names: c.1345C>G, p.Leu449Val (NM_001042669.2); c.1375C>G, p.Leu459Val (NM_001287805.2); c.1051C>G, p.Leu351Val (NM_001346093.2); c.1351C>G, p.Leu451Val (NM_031305.3); short protein forms L451V, L351V, L449V, L544V, L459V.
Identifiers: ClinVar variation 4748814 (VCV004748814.1).